The following is an entry in ClinVar:

ClinVar aggregate classification (germline): Pathogenic (1 of 4 stars; one submission).

Conditions:
Immunodeficiency, common variable, 6. Also called: ANTIBODY DEFICIENCY DUE TO CD81 DEFECT. Identifiers: Orphanet 1572, MedGen C3150741, MONDO:0013286, OMIM 613496.

Submission:

3billion
Classification: Pathogenic for Immunodeficiency, common variable, 6. Last evaluated: 2025-12-22. Review status: criteria provided, single submitter. Criteria: ACMG Guidelines, 2015. Collection method: clinical testing. Allele origin: germline. Affected: yes.
Comment: The variant is not observed in the gnomAD v4.1.0 dataset. Predicted Consequence/Location: Frameshift: predicted to result in a loss or disruption of normal protein function through nonsense-mediated decay (NMD) or protein truncation. Multiple pathogenic variants are reported downstream of the variant. Therefore, this variant is classified as Pathogenic according to the recommendation of ACMG/AMP guideline.

NM_004356.4(CD81):c.445dup (p.Thr149fs)

Gene: CD81 (CD81 molecule; plus strand). Cytogenetic location: 11p15.5.
Variant type: Duplication.
Coding change: c.445dup on transcript NM_004356.4 (MANE Select); coding-DNA position 445, one base duplicated (A; older notation c.445dupA).
Protein change: p.Thr149fs; shifts the reading frame from threonine 149.
Molecular consequence: frameshift variant.
Genome position (GRCh38, 1-based): chr11:2,395,506, A duplicated. VCF-style (leftmost placement, unchanged base first): chr11-2395505-G-GA. GRCh37 (hg19) VCF-style: chr11-2416735-G-GA.
Other names: c.232dup, p.Thr78fs (NM_001297649.2, NM_001425129.1, NM_001425130.1 and 4 more transcripts); c.568dup, p.Thr190fs (NM_001425135.1); c.445dup, p.Thr149fs (NM_001425137.1); short protein forms T149fs, T190fs, T78fs.
Identifiers: ClinVar variation 4856241 (VCV004856241.1).